The following is an entry in ClinVar:

ClinVar aggregate classification (germline): Uncertain significance (1 of 4 stars; one submission).

Conditions:
Familial hypercholesterolemia. Also called: Familial hypercholesterolaemia. Identifiers: MedGen C0020445, MONDO:0005439.

Submission:

Color Diagnostics, LLC DBA Color Health
Classification: Uncertain significance for Familial hypercholesterolemia. Last evaluated: 2024-06-30. Review status: criteria provided, single submitter. Criteria: ACMG Guidelines, 2015. Collection method: clinical testing. Allele origin: germline.
Comment: This missense variant replaces leucine with valine at codon 230 of the PCSK9 protein. Computational prediction suggests that this variant may not impact protein structure and function (internally defined REVEL score threshold <= 0.5, PMID: 27666373). To our knowledge, functional studies have not been reported for this variant. This variant has not been reported in individuals affected with PCSK9-related disorders in the literature. This variant has not been identified in the general population by the Genome Aggregation Database (gnomAD). The available evidence is insufficient to determine the role of this variant in disease conclusively. Therefore, this variant is classified as a Variant of Uncertain Significance.

NM_174936.4(PCSK9):c.688C>G (p.Leu230Val)

Gene: PCSK9 (proprotein convertase subtilisin/kexin type 9; plus strand). Cytogenetic location: 1p32.3.
Variant type: single nucleotide variant.
Coding change: c.688C>G on transcript NM_174936.4 (MANE Select); coding-DNA position 688, C replaced by G.
Protein change: p.Leu230Val; replaces leucine 230 with valine.
Molecular consequence: missense variant. On other transcripts: non-coding transcript variant (8).
Genome position (GRCh38, 1-based): chr1:55,052,680, C>G. VCF-style: chr1-55052680-C-G. GRCh37 (hg19) VCF-style: chr1-55518353-C-G.
Other names: c.313C>G, p.Leu105Val (NM_001407246.1); c.688C>G, p.Leu230Val (NM_001407247.1, NM_001407241.1, NM_001407244.1); c.811C>G, p.Leu271Val (NM_001407240.1); c.691C>G, p.Leu231Val (NM_001407242.1); c.631C>G, p.Leu211Val (NM_001407243.1); c.496C>G, p.Leu166Val (NM_001407245.1); short protein forms L105V, L166V, L211V, L230V, L231V, L271V.
Identifiers: ClinVar variation 3893946 (VCV003893946.1).